The following is an entry in ClinVar:

NM_006736.6(DNAJB2):c.473G>T (p.Ser158Ile)

Gene: DNAJB2 (DnaJ heat shock protein family (Hsp40) member B2; plus strand). Cytogenetic location: 2q35.
Variant type: single nucleotide variant.
Coding change: c.473G>T on transcript NM_006736.6 (MANE Select); coding-DNA position 473, G replaced by T.
Protein change: p.Ser158Ile; replaces serine 158 with isoleucine.
Molecular consequence: missense variant.
Genome position (GRCh38, 1-based): chr2:219,283,160, G>T. VCF-style: chr2-219283160-G-T. GRCh37 (hg19) VCF-style: chr2-220147882-G-T.
Other names: c.473G>T, p.Ser158Ile (NM_001039550.2); short protein forms S158I.
Identifiers: ClinVar variation 234683 (VCV000234683.10), dbSNP rs780605624, ClinGen allele CA2123009.

ClinVar aggregate classification (germline): Uncertain significance. Review status: criteria provided, multiple submitters, no conflicts (2 of 4 stars). 3 submissions from 3 submitters: Uncertain significance (3). Last evaluated 2025-06-02.

Conditions:
Neuronopathy, distal hereditary motor, autosomal recessive 5. Also called: Spinal muscular atrophy, distal, autosomal recessive, 5; NEUROPATHY, DISTAL HEREDITARY MOTOR, AUTOSOMAL RECESSIVE 5; Young adult-onset distal hereditary motor neuropathy. Identifiers: Orphanet 314485, Orphanet 443950, MedGen C4749918, MONDO:0013947, OMIM 614881.
Inborn genetic diseases. Identifiers: MedGen C0950123, MeSH D030342.

Allele frequency attached by ClinVar (database versions not stated): gnomAD 0.00001; TOPMed 0.00001; ExAC 0.00002; gnomAD exomes 0.00002.
gnomAD v4.1: 49 of 1,614,084 alleles (0.003%); highest among the groups gnomAD compares: Non-Finnish European, 0.004%; no homozygotes.

Submissions (3):

Ambry Genetics
Classification: Uncertain significance for Inborn genetic diseases. Last evaluated: 2025-06-02. Review status: criteria provided, single submitter. Criteria: Ambry Variant Classification Scheme 2023. Collection method: clinical testing. Allele origin: germline.

Labcorp Genetics (formerly Invitae), Labcorp
Classification: Uncertain significance for Neuronopathy, distal hereditary motor, autosomal recessive 5. Last evaluated: 2022-05-30. Review status: criteria provided, single submitter. Criteria: Invitae Variant Classification Sherloc (09022015). Collection method: clinical testing. Allele origin: germline.
Comment: This sequence change replaces serine, which is neutral and polar, with isoleucine, which is neutral and non-polar, at codon 158 of the DNAJB2 protein (p.Ser158Ile). This variant is present in population databases (rs780605624, gnomAD 0.007%). This variant has not been reported in the literature in individuals affected with DNAJB2-related conditions. ClinVar contains an entry for this variant (Variation ID: 234683). Algorithms developed to predict the effect of missense changes on protein structure and function are either unavailable or do not agree on the potential impact of this missense change (SIFT: "Deleterious"; PolyPhen-2: "Benign"; Align-GVGD: "Class C0"). Algorithms developed to predict the effect of sequence changes on RNA splicing suggest that this variant may disrupt the consensus splice site. In summary, the available evidence is currently insufficient to determine the role of this variant in disease. Therefore, it has been classified as a Variant of Uncertain Significance.

GeneDx
Classification: Uncertain significance. Last evaluated: 2015-12-22. Review status: criteria provided, single submitter. Criteria: GeneDx Variant Classification (06012015). Collection method: clinical testing. Allele origin: germline. Affected: yes.
Comment: The S158I variant has not been publishedas a pathogenic variant, nor has it been reported as a benign variant to our knowledge. It was not observed inapproximately 6,500 individuals of European and African American ancestry in the NHLBI Exome SequencingProject, indicating it is not a common benign variant in these populations. The S158I variant is a non-conservativeamino acid substitution, which is likely to impact secondary protein structure as these residues differ in polarity,charge, size and/or other properties. This substitution occurs at a position that is conserved in mammals. However,in silico analysis is inconsistent in its predictions as to whether or not the variant is damaging to the proteinstructure/function. Therefore, based on the currently available information, it is unclear whether this variant is apathogenic variant or a rare benign variant.